The following is an entry in ClinVar:

ClinVar aggregate classification (germline): Uncertain significance (1 of 4 stars; one submission).

Conditions:
Dyskeratosis congenita. Identifiers: Orphanet 1775, MedGen C0265965, MONDO:0015780.

Submission:

Labcorp Genetics (formerly Invitae), Labcorp
Classification: Uncertain significance for Dyskeratosis congenita. Last evaluated: 2024-05-06. Review status: criteria provided, single submitter. Criteria: Invitae Variant Classification Sherloc (09022015). Collection method: clinical testing. Allele origin: germline.
Comment: This sequence change replaces valine, which is neutral and non-polar, with alanine, which is neutral and non-polar, at codon 299 of the TINF2 protein (p.Val299Ala). This variant is not present in population databases (gnomAD no frequency). This variant has not been reported in the literature in individuals affected with TINF2-related conditions. ClinVar contains an entry for this variant (Variation ID: 1055928). An algorithm developed to predict the effect of missense changes on protein structure and function (PolyPhen-2) suggests that this variant is likely to be tolerated. In summary, the available evidence is currently insufficient to determine the role of this variant in disease. Therefore, it has been classified as a Variant of Uncertain Significance.

NM_001099274.3(TINF2):c.896T>C (p.Val299Ala)

Gene: TINF2 (TERF1 interacting nuclear factor 2; minus strand). Cytogenetic location: 14q12.
Variant type: single nucleotide variant.
Coding change: c.896T>C on transcript NM_001099274.3 (MANE Select); coding-DNA position 896, T replaced by C.
Protein change: p.Val299Ala; replaces valine 299 with alanine.
Molecular consequence: missense variant.
Genome position (GRCh38, 1-based): chr14:24,240,584, A>G on the plus strand (T>C on the coding strand, the complement: TINF2 is on the minus strand). VCF-style: chr14-24240584-A-G. GRCh37 (hg19) VCF-style: chr14-24709790-A-G.
Other names: c.791T>C, p.Val264Ala (NM_001363668.2); c.896T>C, p.Val299Ala (NM_012461.3); short protein forms V264A, V299A.
Identifiers: ClinVar variation 1055928 (VCV001055928.9), dbSNP rs1050040349, ClinGen allele CA257880912.